The following is an entry in ClinVar:

ClinVar aggregate classification (germline): Pathogenic/Likely pathogenic. Review status: criteria provided, multiple submitters, no conflicts (2 of 4 stars). 5 submissions from 5 submitters: Pathogenic (4); Likely pathogenic (1). Last evaluated 2024-06-11.

Conditions:
Hereditary cancer-predisposing syndrome. Also called: Tumor predisposition; Hereditary Cancer Syndrome; Hereditary neoplastic syndrome; Neoplastic Syndromes, Hereditary. Identifiers: Orphanet 140162, MedGen C0027672, MeSH D009386, MONDO:0015356.
Aplastic anemia. Identifiers: Orphanet 182040, Orphanet 88, MedGen C0002874, MONDO:0015909, OMIM 609135, HP:0001915.
Microcephaly, normal intelligence and immunodeficiency (NBS). Also called: IMMUNODEFICIENCY, MICROCEPHALY, AND CHROMOSOMAL INSTABILITY; SEEMANOVA SYNDROME II; Nijmegen breakage syndrome; Microcephaly with normal intelligence immunodeficiency and lymphoreticular malignancies; Nonsyndromal microcephaly autosomal recessive with normal intelligence; Seemanova syndrome 2. Identifiers: Orphanet 647, MedGen C0398791, MONDO:0009623, OMIM 251260.

Submissions (5):

Labcorp Genetics (formerly Invitae), Labcorp
Classification: Pathogenic for Microcephaly, normal intelligence and immunodeficiency. Last evaluated: 2024-06-11. Review status: criteria provided, single submitter. Criteria: Invitae Variant Classification Sherloc (09022015). Collection method: clinical testing. Allele origin: germline.
Comment: This sequence change creates a premature translational stop signal (p.Thr273Asnfs*12) in the NBN gene. It is expected to result in an absent or disrupted protein product. Loss-of-function variants in NBN are known to be pathogenic (PMID: 9590180, 16415040). This variant is not present in population databases (gnomAD no frequency). This premature translational stop signal has been observed in individual(s) with breast cancer (PMID: 26681312). ClinVar contains an entry for this variant (Variation ID: 182702). For these reasons, this variant has been classified as Pathogenic.

Baylor Genetics
Classification: Pathogenic for Aplastic anemia. Last evaluated: 2023-09-03. Review status: criteria provided, single submitter. Criteria: ACMG Guidelines, 2015. Collection method: clinical testing. Allele origin: unknown.

Ambry Genetics
Classification: Pathogenic for Hereditary cancer-predisposing syndrome. Last evaluated: 2022-10-18. Review status: criteria provided, single submitter. Criteria: Ambry Variant Classification Scheme 2023. Collection method: clinical testing. Allele origin: germline.
Comment: The c.817dupA pathogenic mutation, located in coding exon 7 of the NBN gene, results from a duplication of A at nucleotide position 817, causing a translational frameshift with a predicted alternate stop codon (p.T273Nfs*12). This variant is considered to be rare based on population cohorts in the Genome Aggregation Database (gnomAD). This alteration is expected to result in loss of function by premature protein truncation or nonsense-mediated mRNA decay. As such, this alteration is interpreted as a disease-causing mutation.

GeneDx
Classification: Likely pathogenic. Last evaluated: 2021-11-18. Review status: criteria provided, single submitter. Criteria: GeneDx Variant Classification Process June 2021. Collection method: clinical testing. Allele origin: germline. Affected: yes.
Comment: Frameshift variant predicted to result in protein truncation or nonsense mediated decay in a gene for which loss-of-function is a known mechanism of disease; Not observed at significant frequency in large population cohorts (Lek et al., 2016); Observed in an individual with breast cancer undergoing hereditary cancer panel testing (Susswein 2016); This variant is associated with the following publications: (PMID: 26681312)

Genome-Nilou Lab
Classification: Pathogenic for Microcephaly, normal intelligence and immunodeficiency. Last evaluated: 2021-11-07. Review status: criteria provided, single submitter. Criteria: ACMG Guidelines, 2015. Collection method: clinical testing. Allele origin: germline. Affected: no.

Literature cited by the submitters: PubMed 9590180 (cited by Labcorp Genetics (formerly Invitae), Labcorp); PubMed 16415040 (cited by Labcorp Genetics (formerly Invitae), Labcorp); PubMed 26681312 (cited by Labcorp Genetics (formerly Invitae), Labcorp).

NM_002485.5(NBN):c.817dup (p.Thr273fs)

Gene: NBN (nibrin; minus strand). Cytogenetic location: 8q21.3.
Variant type: Duplication.
Coding change: c.817dup on transcript NM_002485.5 (MANE Select); coding-DNA position 817, one base duplicated (A; older notation c.817dupA).
Protein change: p.Thr273fs; shifts the reading frame from threonine 273.
Molecular consequence: frameshift variant.
Genome position (GRCh38, 1-based): chr8:89,970,443, T duplicated on the plus strand (A on the coding strand, the reverse complement: NBN is on the minus strand). VCF-style (leftmost placement, unchanged base first): chr8-89970442-G-GT. GRCh37 (hg19) VCF-style: chr8-90982670-G-GT.
Other names: c.817dupA (NM_002485.4); c.571dup, p.Thr191fs (NM_001024688.3); short protein forms T191fs, T273fs.
Identifiers: ClinVar variation 182702 (VCV000182702.22), dbSNP rs730881839, ClinGen allele CA299574.
Genomic context (GRCh38, chr8:89,970,442, plus strand): 5'-ATTGACTGAATCCATTTCTTCTGACAGTCAGGAATTAAGGTCTGTGAGTTTGTTATTCCT[G>GT]TATCAACAACACACGTTCCCGGAGCCAAAAAGAAATTATGTTCTTCTTCATTCTCTTCTG-3'